The following is an entry in ClinVar:

ClinVar aggregate classification (germline): Uncertain significance (1 of 4 stars; one submission).

Allele frequency attached by ClinVar (database versions not stated): gnomAD exomes below 0.00001.
gnomAD v4.1: 7 of 1,614,104 alleles (0.00043%); highest among the groups gnomAD compares: Admixed American, 0.0083%; no homozygotes.

Submission:

Labcorp Genetics (formerly Invitae), Labcorp
Classification: Uncertain significance. Last evaluated: 2024-01-22. Review status: criteria provided, single submitter. Criteria: Invitae Variant Classification Sherloc (09022015). Collection method: clinical testing. Allele origin: germline.
Comment: This sequence change replaces asparagine, which is neutral and polar, with lysine, which is basic and polar, at codon 192 of the TIMM50 protein (p.Asn192Lys). This variant is present in population databases (no rsID available, gnomAD 0.009%). This variant has not been reported in the literature in individuals affected with TIMM50-related conditions. ClinVar contains an entry for this variant (Variation ID: 1946144). Advanced modeling of protein sequence and biophysical properties (such as structural, functional, and spatial information, amino acid conservation, physicochemical variation, residue mobility, and thermodynamic stability) performed at Invitae indicates that this missense variant is not expected to disrupt TIMM50 protein function with a negative predictive value of 80%. In summary, the available evidence is currently insufficient to determine the role of this variant in disease. Therefore, it has been classified as a Variant of Uncertain Significance.

NM_001001563.5(TIMM50):c.267C>G (p.Asn89Lys)

Gene: TIMM50 (translocase of inner mitochondrial membrane 50; plus strand). Cytogenetic location: 19q13.2.
Variant type: single nucleotide variant.
Coding change: c.267C>G on transcript NM_001001563.5 (MANE Select); coding-DNA position 267, C replaced by G.
Protein change: p.Asn89Lys; replaces asparagine 89 with lysine.
Molecular consequence: missense variant. On other transcripts: 5 prime UTR variant (1).
Genome position (GRCh38, 1-based): chr19:39,482,892, C>G. VCF-style: chr19-39482892-C-G. GRCh37 (hg19) VCF-style: chr19-39973532-C-G.
Other names: c.-14C>G (NM_001329559.2); short protein forms N89K.
Identifiers: ClinVar variation 1946144 (VCV001946144.3), dbSNP rs1376158611, ClinGen allele CA405786359.